The following is an entry in ClinVar:

ClinVar aggregate classification (germline): Uncertain significance (1 of 4 stars; one submission).

Conditions:
Bardet-Biedl syndrome (BBS). Identifiers: Orphanet 110, MedGen C0752166, MONDO:0015229.
McKusick-Kaufman syndrome (MKKS). Also called: HYDROMETROCOLPOS SYNDROME; HYDROMETROCOLPOS, POSTAXIAL POLYDACTYLY, AND CONGENITAL HEART MALFORMATION. Identifiers: Orphanet 2473, MedGen C0948368, MONDO:0009367, OMIM 236700.

Allele frequency attached by ClinVar (database versions not stated): gnomAD exomes below 0.00001 and 0.00001.
gnomAD v4.1: 2 of 1,614,026 alleles (0.00012%); highest among the groups gnomAD compares: Admixed American, 0.0033%; no homozygotes.

Submission:

Labcorp Genetics (formerly Invitae), Labcorp
Classification: Uncertain significance for McKusick-Kaufman syndrome; Bardet-Biedl syndrome. Last evaluated: 2022-08-23. Review status: criteria provided, single submitter. Criteria: Invitae Variant Classification Sherloc (09022015). Collection method: clinical testing. Allele origin: germline.
Comment: In summary, the available evidence is currently insufficient to determine the role of this variant in disease. Therefore, it has been classified as a Variant of Uncertain Significance. Algorithms developed to predict the effect of missense changes on protein structure and function output the following: SIFT: "Deleterious"; PolyPhen-2: "Benign"; Align-GVGD: "Class C0". The leucine amino acid residue is found in multiple mammalian species, which suggests that this missense change does not adversely affect protein function. ClinVar contains an entry for this variant (Variation ID: 1008312). This variant has not been reported in the literature in individuals affected with MKKS-related conditions. This variant is present in population databases (rs768539582, gnomAD 0.006%). This sequence change replaces phenylalanine, which is neutral and non-polar, with leucine, which is neutral and non-polar, at codon 144 of the MKKS protein (p.Phe144Leu).

NM_170784.3(MKKS):c.430T>C (p.Phe144Leu)

Gene: MKKS (MKKS centrosomal shuttling protein; minus strand). Cytogenetic location: 20p12.2.
Variant type: single nucleotide variant.
Coding change: c.430T>C on transcript NM_170784.3 (MANE Select); coding-DNA position 430, T replaced by C.
Protein change: p.Phe144Leu; replaces phenylalanine 144 with leucine.
Molecular consequence: missense variant.
Genome position (GRCh38, 1-based): chr20:10,413,085, A>G on the plus strand (T>C on the coding strand, the complement: MKKS is on the minus strand). VCF-style: chr20-10413085-A-G. GRCh37 (hg19) VCF-style: chr20-10393733-A-G.
Other names: c.430T>C, p.Phe144Leu (NM_018848.3); short protein forms F144L.
Identifiers: ClinVar variation 1008312 (VCV001008312.7), dbSNP rs768539582, ClinGen allele CA9763685.